The following is an entry in ClinVar:

NM_005861.4(STUB1):c.787C>T (p.Arg263Cys)

Genes: JMJD8 (jumonji domain containing 8; minus strand), STUB1 (STIP1 homology and U-box containing protein 1; plus strand). Cytogenetic location: 16p13.3.
Variant type: single nucleotide variant.
Coding change: c.787C>T on transcript NM_005861.4 (MANE Select); coding-DNA position 787, C replaced by T.
Protein change: p.Arg263Cys; replaces arginine 263 with cysteine.
Molecular consequence: missense variant. On other transcripts: 3 prime UTR variant (5), non-coding transcript variant (3).
Genome position (GRCh38, 1-based): chr16:682,364, C>T. VCF-style: chr16-682364-C-T. GRCh37 (hg19) VCF-style: chr16-732364-C-T.
Other names: c.571C>T, p.Arg191Cys (NM_001293197.2); c.*430G>A (NM_001005920.4, NM_001323919.3, NM_001323920.3); c.*464G>A (NM_001323918.3, NM_001323922.3); short protein forms R263C, R191C.
Identifiers: ClinVar variation 3963657 (VCV003963657.2).

ClinVar aggregate classification (germline): Uncertain significance. Review status: criteria provided, multiple submitters, no conflicts (2 of 4 stars). 2 submissions from 2 submitters: Uncertain significance (2). Last evaluated 2025-05-26.

Conditions:
Inborn genetic diseases. Identifiers: MedGen C0950123, MeSH D030342.

Submissions (2):

Ambry Genetics
Classification: Uncertain significance for Inborn genetic diseases. Last evaluated: 2025-05-26. Review status: criteria provided, single submitter. Criteria: Ambry Variant Classification Scheme 2023. Collection method: clinical testing. Allele origin: germline.

Labcorp Genetics (formerly Invitae), Labcorp
Classification: Uncertain significance. Last evaluated: 2025-05-13. Review status: criteria provided, single submitter. Criteria: Invitae Variant Classification Sherloc (09022015). Collection method: clinical testing. Allele origin: germline.
Comment: This sequence change replaces arginine, which is basic and polar, with cysteine, which is neutral and slightly polar, at codon 263 of the STUB1 protein (p.Arg263Cys). This variant is present in population databases (rs201071334, gnomAD 0.003%). This variant has not been reported in the literature in individuals affected with STUB1-related conditions. An algorithm developed to predict the effect of missense changes on protein structure and function (PolyPhen-2) suggests that this variant is likely to be disruptive. In summary, the available evidence is currently insufficient to determine the role of this variant in disease. Therefore, it has been classified as a Variant of Uncertain Significance.